The following is an entry in ClinVar:

ClinVar aggregate classification (germline): Uncertain significance. Review status: criteria provided, multiple submitters, no conflicts (2 of 4 stars). 3 submissions from 3 submitters: Uncertain significance (3). Last evaluated 2025-01-01.

Conditions:
Hereditary cancer-predisposing syndrome. Also called: Hereditary neoplastic syndrome; Hereditary Cancer Syndrome; Neoplastic Syndromes, Hereditary; Tumor predisposition. Identifiers: Orphanet 140162, MedGen C0027672, MeSH D009386, MONDO:0015356.
Hereditary nonpolyposis colorectal neoplasms. Identifiers: MedGen C0009405, MeSH D003123.

gnomAD v4.1: 2 of 1,614,028 alleles (0.00012%); highest among the groups gnomAD compares: Non-Finnish European, 0.000085%; no homozygotes.

Submissions (3):

Labcorp Genetics (formerly Invitae), Labcorp
Classification: Uncertain significance for Hereditary nonpolyposis colorectal neoplasms. Last evaluated: 2025-01-01. Review status: criteria provided, single submitter. Criteria: Invitae Variant Classification Sherloc (09022015). Collection method: clinical testing. Allele origin: germline.
Comment: This sequence change replaces arginine, which is basic and polar, with leucine, which is neutral and non-polar, at codon 211 of the PMS2 protein (p.Arg211Leu). This variant is not present in population databases (gnomAD no frequency). This variant has not been reported in the literature in individuals affected with PMS2-related conditions. ClinVar contains an entry for this variant (Variation ID: 234618). Invitae Evidence Modeling incorporating data from in vitro experimental studies (internal data) indicates that this missense variant is not expected to disrupt PMS2 function with a negative predictive value of 95%. In summary, the available evidence is currently insufficient to determine the role of this variant in disease. Therefore, it has been classified as a Variant of Uncertain Significance.

Ambry Genetics
Classification: Uncertain significance for Hereditary cancer-predisposing syndrome. Last evaluated: 2024-05-26. Review status: criteria provided, single submitter. Criteria: Ambry Variant Classification Scheme 2023. Collection method: clinical testing. Allele origin: germline.
Comment: The p.R211L variant (also known as c.632G>T), located in coding exon 6 of the PMS2 gene, results from a G to T substitution at nucleotide position 632. The arginine at codon 211 is replaced by leucine, an amino acid with dissimilar properties. This amino acid position is well conserved in available vertebrate species. In addition, this alteration is predicted to be deleterious by in silico analysis. Since supporting evidence is limited at this time, the clinical significance of this alteration remains unclear.

GeneDx
Classification: Uncertain significance. Last evaluated: 2023-07-28. Review status: criteria provided, single submitter. Criteria: GeneDx Variant Classification Process June 2021. Collection method: clinical testing. Allele origin: germline. Affected: yes.
Comment: Not observed at significant frequency in large population cohorts (gnomAD); In silico analysis supports that this missense variant has a deleterious effect on protein structure/function; Has not been previously published as pathogenic or benign to our knowledge; This variant is associated with the following publications: (PMID: 22949387, 11574484)

NM_000535.7(PMS2):c.632G>T (p.Arg211Leu)

Gene: PMS2 (PMS1 homolog 2, mismatch repair system component; minus strand). Cytogenetic location: 7p22.1.
Variant type: single nucleotide variant.
Coding change: c.632G>T on transcript NM_000535.7 (MANE Select); coding-DNA position 632, G replaced by T.
Protein change: p.Arg211Leu; replaces arginine 211 with leucine.
Molecular consequence: missense variant. On other transcripts: 5 prime UTR variant (2), non-coding transcript variant (1), intron variant (1).
Genome position (GRCh38, 1-based): chr7:5,999,181, C>A on the plus strand (G>T on the coding strand, the complement: PMS2 is on the minus strand). VCF-style: chr7-5999181-C-A. GRCh37 (hg19) VCF-style: chr7-6038812-C-A.
Other names: c.227G>T, p.Arg76Leu (NM_001322003.2, NM_001322004.2, NM_001322005.2 and 2 more transcripts); c.632G>T, p.Arg211Leu (NM_001322006.2, NM_001322014.2); c.314G>T, p.Arg105Leu (NM_001322007.2, NM_001322008.2); c.-302G>T (NM_001322011.2, NM_001322012.2); c.323G>T, p.Arg108Leu (NM_001322015.2); c.133-1758G>T (NM_001322013.2); short protein forms R211L, R105L, R76L, R108L.
Identifiers: ClinVar variation 234618 (VCV000234618.16), dbSNP rs587781934, ClinGen allele CA10577349.
Genomic context (GRCh38, chr7:5,999,181, plus strand): 5'-AACACAGAGCCGATATTTTCCTTTATGCTGGGGCTTCCACCTGTGCATACCACAGGCTGT[C>A]GTTTTCCTTGTCCAAGCTGATTGGTGCAACTTACACGGATGCCTGCTGAAATGATACAGT-3'
Protein context (NP_000526.2, residues 201-221): SCTNQLGQGK[Arg211Leu]QPVVCTGGSP